The following is an entry in ClinVar:

ClinVar aggregate classification (germline): Pathogenic/Likely pathogenic. Review status: criteria provided, multiple submitters, no conflicts (2 of 4 stars). 2 submissions from 2 submitters: Pathogenic (1); Likely pathogenic (1). Last evaluated 2024-09-05.

Conditions:
Hermansky-Pudlak syndrome 4 (HPS4). Identifiers: Orphanet 231500, Orphanet 79430, MedGen C3484357, MONDO:0013556, OMIM 614073.

Submissions (2):

Labcorp Genetics (formerly Invitae), Labcorp
Classification: Pathogenic. Last evaluated: 2024-09-05. Review status: criteria provided, single submitter. Criteria: Invitae Variant Classification Sherloc (09022015). Collection method: clinical testing. Allele origin: germline.
Comment: This sequence change creates a premature translational stop signal (p.Asn16Ilefs*11) in the HPS4 gene. It is expected to result in an absent or disrupted protein product. Loss-of-function variants in HPS4 are known to be pathogenic (PMID: 12664304). This variant is present in population databases (rs763190774, gnomAD 0.009%). This premature translational stop signal has been observed in individual(s) with Hermansky-Pudlak syndrome (PMID: 21833017). ClinVar contains an entry for this variant (Variation ID: 2138424). For these reasons, this variant has been classified as Pathogenic.

Broad Center for Mendelian Genomics, Broad Institute of MIT and Harvard
Classification: Likely pathogenic for Hermansky-Pudlak syndrome 4. Last evaluated: 2023-01-24. Review status: criteria provided, single submitter. Criteria: ACMG Guidelines, 2015. Collection method: curation. Allele origin: germline. Inheritance: Autosomal recessive inheritance.
Comment: The p.Asn16fs variant in HPS4 has been reported in 1 individual, in the compound heterozygous state, with Hermansky-Pudlak syndrome 4 (PMID: 31898847, 21833017), and has been identified in 0.009% (3/34554) of Latino/Admixed American chromosomes by the Genome Aggregation Database (gnomAD; dbSNP ID: rs763190774). Although this variant has been seen in the general population in a heterozygous state, its frequency is low enough to be consistent with a recessive carrier frequency. In vitro functional studies provide some evidence that the p.Asn16fs variant may impact protein function (PMID: 21833017). However, these types of assays may not accurately represent biological function. This variant is predicted to cause a frameshift, which alters the protein‚Äôs amino acid sequence beginning at position 16 and leads to a premature termination codon 11 amino acids downstream. Loss of function of the HPS4 gene is strongly associated to autosomal recessive Hermansky-Pudlak syndrome 4. In summary, although additional studies are required to fully establish its clinical significance, this variant is likely pathogenic for autosomal recessive Hermansky-Pudlak syndrome 4. ACMG/AMP Criteria applied: PVS1_strong, PM2_supporting, PS3_moderate (Richards 2015).

Literature cited by the submitters: PubMed 12664304 (cited by Labcorp Genetics (formerly Invitae), Labcorp); PubMed 21833017 (cited by Labcorp Genetics (formerly Invitae), Labcorp).

NM_022081.6(HPS4):c.47del (p.Asn16fs)

Gene: HPS4 (HPS4 biogenesis of lysosomal organelles complex 3 subunit 2; minus strand). Cytogenetic location: 22q12.1.
Variant type: Deletion.
Coding change: c.47del on transcript NM_022081.6 (MANE Select); coding-DNA position 47, one base deleted (A; older notation c.47delA).
Protein change: p.Asn16fs; shifts the reading frame from asparagine 16.
Molecular consequence: frameshift variant. On other transcripts: non-coding transcript variant (8).
Genome position (GRCh38, 1-based): chr22:26,479,350, T deleted on the plus strand (A on the coding strand, the reverse complement: HPS4 is on the minus strand); the first of 2 consecutive T bases (chr22:26,479,350-26,479,351); deleting either gives the same sequence. VCF-style (leftmost placement, unchanged base first): chr22-26479349-AT-A. GRCh37 (hg19) VCF-style: chr22-26875315-AT-A.
Other names: NR_146316.2:n.635del; c.47del, p.Asn16fs (NM_001349896.1, NM_001349898.2, NM_001349899.2 and 6 more transcripts); c.46delA, p.Asn16Ilefs (NM_001410832.1); c.32del, p.Asn11fs (NM_152841.2); short protein forms N11fs, N16fs.
Identifiers: ClinVar variation 2138424 (VCV002138424.6), dbSNP rs763190774, ClinGen allele CA10163837.